The following is an entry in ClinVar:

NM_002691.4(POLD1):c.3167C>T (p.Thr1056Met)

Gene: POLD1 (DNA polymerase delta 1, catalytic subunit; plus strand). Cytogenetic location: 19q13.33.
Variant type: single nucleotide variant.
Coding change: c.3167C>T on transcript NM_002691.4 (MANE Select); coding-DNA position 3167, C replaced by T.
Protein change: p.Thr1056Met; replaces threonine 1056 with methionine.
Molecular consequence: missense variant. On other transcripts: non-coding transcript variant (1).
Genome position (GRCh38, 1-based): chr19:50,417,218, C>T. VCF-style: chr19-50417218-C-T. GRCh37 (hg19) VCF-style: chr19-50920475-C-T.
Other names: c.3167C>T, p.Thr1056Met (NM_001256849.1); c.3245C>T, p.Thr1082Met (NM_001308632.1); c.3167C>T (NM_002691.2); short protein forms T1056M, T1082M.
Identifiers: ClinVar variation 421647 (VCV000421647.18), dbSNP rs772397517, ClinGen allele CA9596778.
Genomic context (GRCh38, chr19:50,417,218, plus strand): 5'-GCTGCCGTCCCCAGGTATCCCATCTGAATGCCCTGGAGGAGCGCTTCTCGCGCCTCTGGA[C>T]GCAGTGCCAGCGCTGCCAGGGCAGCCTGCACGAGGACGTCATCTGCACCAGGTGTGTGCC-3'
Protein context (NP_002682.2, residues 1046-1066): ALEERFSRLW[Thr1056Met]QCQRCQGSLH

ClinVar aggregate classification (germline): Uncertain significance. Review status: criteria provided, multiple submitters, no conflicts (2 of 4 stars). 4 submissions from 4 submitters: Uncertain significance (4). Last evaluated 2026-02-04.

Conditions:
Hereditary cancer-predisposing syndrome. Also called: Neoplastic Syndromes, Hereditary; Hereditary neoplastic syndrome; Tumor predisposition; Hereditary Cancer Syndrome. Identifiers: Orphanet 140162, MedGen C0027672, MeSH D009386, MONDO:0015356.
POLD1-related polyposis and colorectal cancer syndrome (CRCS10). Also called: Colorectal cancer 10; COLORECTAL CANCER, SUSCEPTIBILITY TO, ON CHROMOSOME 19q; Colorectal cancer, susceptibility to, 10. Identifiers: Orphanet 220460, MedGen C2675481, MONDO:0012953, OMIM 612591.
Mandibular hypoplasia-deafness-progeroid syndrome. Also called: Mandibular hypoplasia, deafness, progeroid features, and lipodystrophy syndrome. Identifiers: Orphanet 363649, MedGen C3715192, MONDO:0014157, OMIM 615381.

Allele frequency attached by ClinVar (database versions not stated): gnomAD exomes 0.00001; ExAC 0.00002; gnomAD 0.00002; TOPMed 0.00002.
gnomAD v4.1: 15 of 1,606,258 alleles (0.00093%); highest among the groups gnomAD compares: African/African-American, 0.0053%; no homozygotes.

Submissions (4):

Labcorp Genetics (formerly Invitae), Labcorp
Classification: Uncertain significance for POLD1-related polyposis and colorectal cancer syndrome. Last evaluated: 2026-02-04. Review status: criteria provided, single submitter. Criteria: Invitae Variant Classification Sherloc (09022015). Collection method: clinical testing. Allele origin: germline.
Comment: This sequence change replaces threonine, which is neutral and polar, with methionine, which is neutral and non-polar, at codon 1056 of the POLD1 protein (p.Thr1056Met). The frequency data for this variant in the population databases is considered unreliable, as metrics indicate poor data quality at this position in the gnomAD database. This variant has not been reported in the literature in individuals affected with POLD1-related conditions. ClinVar contains an entry for this variant (Variation ID: 421647). Invitae Evidence Modeling of protein sequence and biophysical properties (such as structural, functional, and spatial information, amino acid conservation, physicochemical variation, residue mobility, and thermodynamic stability) indicates that this missense variant is expected to disrupt POLD1 protein function with a positive predictive value of 80%. In summary, the available evidence is currently insufficient to determine the role of this variant in disease. Therefore, it has been classified as a Variant of Uncertain Significance.

Ambry Genetics
Classification: Uncertain significance for Hereditary cancer-predisposing syndrome. Last evaluated: 2025-10-02. Review status: criteria provided, single submitter. Criteria: Ambry Variant Classification Scheme 2023. Collection method: clinical testing. Allele origin: germline.

GeneDx
Classification: Uncertain significance. Last evaluated: 2025-07-15. Review status: criteria provided, single submitter. Criteria: GeneDx Variant Classification Process June 2021. Collection method: clinical testing. Allele origin: germline. Affected: yes.
Comment: Not observed at significant frequency in large population cohorts (gnomAD); In silico analysis supports that this missense variant has a deleterious effect on protein structure/function; Has not been previously published as pathogenic or benign to our knowledge; This variant is associated with the following publications: (PMID: 19296856)

Fulgent Genetics
Classification: Uncertain significance for POLD1-related polyposis and colorectal cancer syndrome; Mandibular hypoplasia-deafness-progeroid syndrome. Last evaluated: 2018-10-31. Review status: criteria provided, single submitter. Criteria: ACMG Guidelines, 2015. Collection method: clinical testing. Allele origin: unknown.